The following is an entry in ClinVar:

NM_006846.4(SPINK5):c.-61A>C

Gene: SPINK5 (serine peptidase inhibitor Kazal type 5; plus strand). Cytogenetic location: 5q32.
Variant type: single nucleotide variant.
Coding change: c.-61A>C on transcript NM_006846.4 (MANE Select); 61 bases upstream of the start codon, A replaced by C.
Molecular consequence: 5 prime UTR variant.
Genome position (GRCh38, 1-based): chr5:148,063,984, A>C. VCF-style: chr5-148063984-A-C. GRCh37 (hg19) VCF-style: chr5-147443547-A-C.
Other names: c.-61A>C (NM_001127698.2, NM_001127699.2).
Identifiers: ClinVar variation 351513 (VCV000351513.6), dbSNP rs74572734, ClinGen allele CA10623209.

ClinVar aggregate classification (germline): Benign. Review status: criteria provided, multiple submitters, no conflicts (2 of 4 stars). 2 submissions from 2 submitters: Benign (2). Last evaluated 2018-01-13.

Conditions:
Netherton syndrome (NETH). Also called: NETHERTON DISEASE; ERYTHRODERMA, ICHTHYOSIFORM, WITH HYPOTRICHOSIS AND HYPER-IgE; COMEL-NETHERTON SYNDROME. Identifiers: Orphanet 634, MedGen C5574950, MONDO:0009735, OMIM 256500.

Allele frequency attached by ClinVar (database versions not stated): ESP Exome Variant Server 0.04249; gnomAD 0.04564 and 0.04900; 1000 Genomes Project 0.04633; 1000 Genomes Project 30x 0.05091; TOPMed 0.05138.
gnomAD v4.1: 13,728 of 1,585,648 alleles (0.87%); highest among the groups gnomAD compares: African/African-American, 16%; 1,012 homozygotes.

Submissions (2):

Illumina Laboratory Services, Illumina
Classification: Benign for Netherton syndrome. Last evaluated: 2018-01-13. Review status: criteria provided, single submitter. Criteria: ICSL Variant Classification Criteria 13 December 2019. Collection method: clinical testing. Allele origin: germline.
Comment: This variant was observed in the ICSL laboratory as part of a predisposition screen in an ostensibly healthy population. It had not been previously curated by ICSL or reported in the Human Gene Mutation Database (HGMD: prior to June 1st, 2018), and was therefore a candidate for classification through an automated scoring system. Utilizing variant allele frequency, disease prevalence and penetrance estimates, and inheritance mode, an automated score was calculated to assess if this variant is too frequent to cause the disease. Based on the score and internal cut-off values, a variant classified as benign is not then subjected to further curation. The score for this variant resulted in a classification of benign for this disease.

GeneDx
Classification: Benign. Last evaluated: 2015-03-03. Review status: criteria provided, single submitter. Criteria: GeneDx Variant Classification Process June 2021. Collection method: clinical testing. Allele origin: germline. Affected: yes.